The following is an entry in ClinVar:

ClinVar aggregate classification (germline): Benign/Likely benign. Review status: criteria provided, multiple submitters, no conflicts (2 of 4 stars). 5 submissions from 5 submitters: Benign (1); Likely benign (3). 1 of the submissions does not count toward it. Last evaluated 2026-05-01.

Conditions:
PRMT7-related disorder. Also called: PRMT7-related condition.

Allele frequency attached by ClinVar (database versions not stated): gnomAD 0.00028 and 0.00034; TOPMed 0.00033; ESP Exome Variant Server 0.00038; ExAC 0.00101; 1000 Genomes Project 30x 0.00125; 1000 Genomes Project 0.00140.
gnomAD v4.1: 784 of 1,611,608 alleles (0.049%); highest among the groups gnomAD compares: Middle Eastern, 0.39%; 3 homozygotes.

Submissions (5):

CeGaT Center for Human Genetics Tuebingen
Classification: Likely benign. Last evaluated: 2026-05-01. Review status: criteria provided, single submitter. Criteria: CeGaT Center For Human Genetics Tuebingen Variant Classification Criteria Version 2. Collection method: clinical testing. Allele origin: germline. Affected: yes. Observed: 2 variant alleles.
Comment: PRMT7: BP4, BP7

Labcorp Genetics (formerly Invitae), Labcorp
Classification: Benign. Last evaluated: 2025-10-02. Review status: criteria provided, single submitter. Criteria: Invitae Variant Classification Sherloc (09022015). Collection method: clinical testing. Allele origin: germline.

Blueprint Genetics
Classification: Likely benign. Last evaluated: 2024-11-26. Review status: criteria provided, single submitter. Criteria: ACMG Guidelines, 2015. Collection method: clinical testing. Allele origin: germline.

Breakthrough Genomics
Classification: Likely benign. Review status: criteria provided, single submitter. Criteria: ACMG Guidelines, 2015. Collection method: not provided. Allele origin: germline. Inheritance: Autosomal recessive inheritance. Affected: yes.

PreventionGenetics, part of Exact Sciences
Classification: Likely benign for PRMT7-related condition. Last evaluated: 2022-05-23. Review status: no assertion criteria provided. Collection method: clinical testing. Allele origin: germline. Not counted in ClinVar's aggregate classification.
Comment: This variant is classified as likely benign based on ACMG/AMP sequence variant interpretation guidelines (Richards et al. 2015 PMID: 25741868, with internal and published modifications).

NM_019023.5(PRMT7):c.1815C>T (p.Pro605=)

Genes: PRMT7 (protein arginine methyltransferase 7; plus strand), LOC130059279 (ATAC-STARR-seq lymphoblastoid active region 11013; plus strand). Cytogenetic location: 16q22.1.
Variant type: single nucleotide variant.
Coding change: c.1815C>T on transcript NM_019023.5 (MANE Select); coding-DNA position 1815, C replaced by T.
Protein change: p.Pro605=; no amino-acid change (proline 605 retained).
Molecular consequence: synonymous variant. On other transcripts: non-coding transcript variant (12).
Genome position (GRCh38, 1-based): chr16:68,356,704, C>T. VCF-style: chr16-68356704-C-T. GRCh37 (hg19) VCF-style: chr16-68390607-C-T.
Other names: c.1665C>T, p.Pro555= (NM_001184824.4); c.1815C>T, p.Pro605= (NM_001290018.2, NM_001351143.3, NM_001378018.1); c.1818C>T, p.Pro606= (NM_001351144.3); c.1608C>T, p.Pro536= (NM_001378020.1); c.1578C>T, p.Pro526= (NM_001378021.1, NM_001378022.1, NM_001378023.1); c.1815C>T (NM_019023.2).
Identifiers: ClinVar variation 916316 (VCV000916316.48), dbSNP rs373518587, ClinGen allele CA8127664.
Genomic context (GRCh38, chr16:68,356,704, plus strand): 5'-TGTTCCCCCGCTGCCTCTTGTGTGACTACTTCTGCTGGGCCCCCCTCTCCTTGACAGGCC[C>T]GGGCAGAGCCACGCAGCGGTGCTATGGATGGAGTACCACCTGACCCCGGAGTGCACGCTC-3'
Protein context (NP_061896.1, residues 595-615): CAEGTVELRR[Pro605=]GQSHAAVLWM